The following is an entry in ClinVar:

ClinVar aggregate classification (germline): Uncertain significance. Review status: criteria provided, multiple submitters, no conflicts (2 of 4 stars). 4 submissions from 4 submitters: Uncertain significance (4). Last evaluated 2025-10-23.

Conditions:
Familial cancer of breast. Also called: Hereditary breast cancer; BREAST CANCER, FAMILIAL; hereditary breast carcinoma. Identifiers: Orphanet 227535, MedGen C0346153, MONDO:0016419, OMIM 114480. Disease mechanism: loss of function.
Hereditary cancer-predisposing syndrome. Also called: Hereditary Cancer Syndrome; Neoplastic Syndromes, Hereditary; Tumor predisposition; Hereditary neoplastic syndrome. Identifiers: Orphanet 140162, MedGen C0027672, MeSH D009386, MONDO:0015356.

Submissions (4):

Ambry Genetics
Classification: Uncertain significance for Hereditary cancer-predisposing syndrome. Last evaluated: 2025-10-23. Review status: criteria provided, single submitter. Criteria: Ambry Variant Classification Scheme 2023. Collection method: clinical testing. Allele origin: germline.
Comment: The p.N744D variant (also known as c.2230A>G), located in coding exon 11 of the BARD1 gene, results from an A to G substitution at nucleotide position 2230. The asparagine at codon 744 is replaced by aspartic acid, an amino acid with highly similar properties. This variant has been reported in an individual affected with colorectal cancer (Yurgelun MB et al. J Clin Oncol, 2017 Apr;35:1086-1095). This amino acid position is not well conserved in available vertebrate species. In addition, this alteration is predicted to be tolerated by in silico analysis. Since supporting evidence is limited at this time, the clinical significance of this alteration remains unclear.

GeneDx
Classification: Uncertain significance. Last evaluated: 2023-01-06. Review status: criteria provided, single submitter. Criteria: GeneDx Variant Classification Process June 2021. Collection method: clinical testing. Allele origin: germline. Affected: yes.
Comment: Not observed at significant frequency in large population cohorts (gnomAD); In silico analysis supports that this missense variant does not alter protein structure/function; Observed in at least one individual with a personal history of colon cancer who underwent multi-gene panel testing (Yurgelun et al., 2017); This variant is associated with the following publications: (PMID: 29292755, 17550235, 28135145)

Labcorp Genetics (formerly Invitae), Labcorp
Classification: Uncertain significance for Familial cancer of breast. Last evaluated: 2022-08-03. Review status: criteria provided, single submitter. Criteria: Invitae Variant Classification Sherloc (09022015). Collection method: clinical testing. Allele origin: germline.
Comment: In summary, the available evidence is currently insufficient to determine the role of this variant in disease. Therefore, it has been classified as a Variant of Uncertain Significance. Algorithms developed to predict the effect of missense changes on protein structure and function (SIFT, PolyPhen-2, Align-GVGD) all suggest that this variant is likely to be tolerated. ClinVar contains an entry for this variant (Variation ID: 490960). This missense change has been observed in individual(s) with colorectal cancer (PMID: 28135145). This variant is not present in population databases (gnomAD no frequency). This sequence change replaces asparagine, which is neutral and polar, with aspartic acid, which is acidic and polar, at codon 744 of the BARD1 protein (p.Asn744Asp).

Color Diagnostics, LLC DBA Color Health
Classification: Uncertain significance for Hereditary cancer-predisposing syndrome. Last evaluated: 2019-03-17. Review status: criteria provided, single submitter. Criteria: ACMG Guidelines, 2015. Collection method: clinical testing. Allele origin: germline.

Literature cited by the submitters: PubMed 28135145 (cited by Ambry Genetics and Labcorp Genetics (formerly Invitae), Labcorp).

NM_000465.4(BARD1):c.2230A>G (p.Asn744Asp)

Gene: BARD1 (BRCA1 associated RING domain 1; minus strand). Cytogenetic location: 2q35.
Variant type: single nucleotide variant.
Coding change: c.2230A>G on transcript NM_000465.4 (MANE Select); coding-DNA position 2230, A replaced by G.
Protein change: p.Asn744Asp; replaces asparagine 744 with aspartic acid.
Molecular consequence: missense variant. On other transcripts: non-coding transcript variant (3).
Genome position (GRCh38, 1-based): chr2:214,728,780, T>C on the plus strand (A>G on the coding strand, the complement: BARD1 is on the minus strand). VCF-style: chr2-214728780-T-C. GRCh37 (hg19) VCF-style: chr2-215593504-T-C.
Other names: c.2173A>G, p.Asn725Asp (NM_001282543.2); c.877A>G, p.Asn293Asp (NM_001282545.2); c.820A>G, p.Asn274Asp (NM_001282548.2); c.691A>G, p.Asn231Asp (NM_001282549.2); c.2230A>G (NM_000465.2); short protein forms N744D, N231D, N274D, N293D, N725D.
Identifiers: ClinVar variation 490960 (VCV000490960.12), dbSNP rs1553612078, ClinGen allele CA350450087.
Genomic context (GRCh38, chr2:214,728,780, plus strand): 5'-TAAACCAGCTCGAAGGAGCCTTCCAGACTTTGCCCTGCCGAACCCTCTCTGGGTGATAAT[T>C]ACACAAATCTTCATAGATGATATACTGTGTGCAGAAGCGCTGATCAGAATCGGGTCTCGC-3'
Protein context (NP_000456.2, residues 734-754): TQYIIYEDLC[Asn744Asp]YHPERVRQGK